The following is an entry in ClinVar:

NM_022124.6(CDH23):c.9292C>T (p.Leu3098Phe)

Gene: CDH23 (cadherin related 23; plus strand). Cytogenetic location: 10q22.1.
Variant type: single nucleotide variant.
Coding change: c.9292C>T on transcript NM_022124.6 (MANE Select); coding-DNA position 9292, C replaced by T.
Protein change: p.Leu3098Phe; replaces leucine 3098 with phenylalanine.
Molecular consequence: missense variant.
Genome position (GRCh38, 1-based): chr10:71,811,726, C>T. VCF-style: chr10-71811726-C-T. GRCh37 (hg19) VCF-style: chr10-73571483-C-T.
Other names: c.2572C>T, p.Leu858Phe (NM_001171933.1, NM_001171934.1); short protein forms L3098F, L858F.
Identifiers: ClinVar variation 1056823 (VCV001056823.10), dbSNP rs746788999, ClinGen allele CA5546967.

ClinVar aggregate classification (germline): Uncertain significance. Review status: criteria provided, single submitter (1 of 4 stars). 2 submissions from 2 submitters: Uncertain significance (1). 1 of the submissions does not count toward it. Last evaluated 2022-08-09.

Conditions:
Usher syndrome type 1 (USH1). Also called: RETINITIS PIGMENTOSA AND CONGENITAL DEAFNESS. Identifiers: Orphanet 231169, Orphanet 886, MedGen C1568247, MONDO:0010168, OMIM 276900.

Allele frequency attached by ClinVar (database versions not stated): gnomAD exomes below 0.00001; TOPMed below 0.00001; ExAC 0.00001.
gnomAD v4.1: 5 of 1,601,082 alleles (0.00031%); highest among the groups gnomAD compares: South Asian, 0.0011%; no homozygotes.

Submissions (2):

Labcorp Genetics (formerly Invitae), Labcorp
Classification: Uncertain significance. Last evaluated: 2022-08-09. Review status: criteria provided, single submitter. Criteria: Invitae Variant Classification Sherloc (09022015). Collection method: clinical testing. Allele origin: germline.
Comment: This sequence change replaces leucine, which is neutral and non-polar, with phenylalanine, which is neutral and non-polar, at codon 3098 of the CDH23 protein (p.Leu3098Phe). This variant is present in population databases (rs746788999, gnomAD 0.003%). This variant has not been reported in the literature in individuals affected with CDH23-related conditions. Algorithms developed to predict the effect of missense changes on protein structure and function are either unavailable or do not agree on the potential impact of this missense change (SIFT: "Deleterious"; PolyPhen-2: "Not Available"; Align-GVGD: "Class C0"). In summary, the available evidence is currently insufficient to determine the role of this variant in disease. Therefore, it has been classified as a Variant of Uncertain Significance.

Natera, Inc.
Classification: Uncertain significance for Usher syndrome type 1. Last evaluated: 2021-03-24. Review status: no assertion criteria provided. Collection method: clinical testing. Allele origin: germline. Not counted in ClinVar's aggregate classification.